The following is an entry in ClinVar:

ClinVar aggregate classification (germline): Uncertain significance (1 of 4 stars; one submission).

Conditions:
Hereditary cancer-predisposing syndrome. Also called: Neoplastic Syndromes, Hereditary; Tumor predisposition; Hereditary Cancer Syndrome; Hereditary neoplastic syndrome. Identifiers: Orphanet 140162, MedGen C0027672, MeSH D009386, MONDO:0015356.

Submission:

Color Diagnostics, LLC DBA Color Health
Classification: Uncertain significance for Hereditary cancer-predisposing syndrome. Last evaluated: 2024-03-06. Review status: criteria provided, single submitter. Criteria: ACMG Guidelines, 2015. Collection method: clinical testing. Allele origin: germline.
Comment: This missense variant replaces glycine with arginine at codon 47 of the STK11 protein. Computational prediction is inconclusive regarding the impact of this variant on protein structure and function (internally defined REVEL score threshold 0.5 < inconclusive < 0.7, PMID: 27666373). To our knowledge, functional studies have not been reported for this variant. This variant has not been reported in individuals affected with STK11-related disorders in the literature. This variant has not been identified in the general population by the Genome Aggregation Database (gnomAD). The available evidence is insufficient to determine the role of this variant in disease conclusively. Therefore, this variant is classified as a Variant of Uncertain Significance.

NM_000455.5(STK11):c.139G>C (p.Gly47Arg)

Gene: STK11 (serine/threonine kinase 11; plus strand). Cytogenetic location: 19p13.3.
Variant type: single nucleotide variant.
Coding change: c.139G>C on transcript NM_000455.5 (MANE Select); coding-DNA position 139, G replaced by C.
Protein change: p.Gly47Arg; replaces glycine 47 with arginine.
Molecular consequence: missense variant. On other transcripts: non-coding transcript variant (1).
Genome position (GRCh38, 1-based): chr19:1,207,052, G>C. VCF-style: chr19-1207052-G-C. GRCh37 (hg19) VCF-style: chr19-1207051-G-C.
Other names: c.139G>C, p.Gly47Arg (NM_001407255.1); short protein forms G47R.
Identifiers: ClinVar variation 2774533 (VCV002774533.2), dbSNP rs2145405098, ClinGen allele CA402944031.